The following is an entry in ClinVar:

ClinVar aggregate classification (germline): Benign/Likely benign. Review status: criteria provided, multiple submitters, no conflicts (2 of 4 stars). 7 submissions from 7 submitters: Benign (1); Likely benign (4). 2 of the submissions do not count toward it. Last evaluated 2026-01-27.

Allele frequency attached by ClinVar (database versions not stated): 1000 Genomes Project 30x 0.00172; gnomAD 0.00190 and 0.00195; 1000 Genomes Project 0.00200; ESP Exome Variant Server 0.00200; TOPMed 0.00204.
gnomAD v4.1: 729 of 1,614,006 alleles (0.045%); highest among the groups gnomAD compares: African/African-American, 0.75%; 2 homozygotes.

Submissions (7):

Labcorp Genetics (formerly Invitae), Labcorp
Classification: Benign. Last evaluated: 2026-01-27. Review status: criteria provided, single submitter. Criteria: Invitae Variant Classification Sherloc (09022015). Collection method: clinical testing. Allele origin: germline.

Blueprint Genetics
Classification: Likely benign. Last evaluated: 2024-11-01. Review status: criteria provided, single submitter. Criteria: ACMG Guidelines, 2015. Collection method: clinical testing. Allele origin: germline.

CeGaT Center for Human Genetics Tuebingen
Classification: Likely benign. Last evaluated: 2024-10-01. Review status: criteria provided, single submitter. Criteria: CeGaT Center For Human Genetics Tuebingen Variant Classification Criteria Version 2. Collection method: clinical testing. Allele origin: germline. Affected: yes. Observed: 3 variant alleles.
Comment: DCHS1: BP4, BP7

GeneDx
Classification: Likely benign. Last evaluated: 2021-06-22. Review status: criteria provided, single submitter. Criteria: GeneDx Variant Classification Process June 2021. Collection method: clinical testing. Allele origin: germline. Affected: yes.

Breakthrough Genomics
Classification: Likely benign. Review status: criteria provided, single submitter. Criteria: ACMG Guidelines, 2015. Collection method: not provided. Allele origin: germline. Inheritance: Autosomal recessive inheritance. Affected: yes.

Clinical Genetics DNA and cytogenetics Diagnostics Lab, Erasmus MC, Erasmus Medical Center
Classification: Likely benign. Review status: no assertion criteria provided. Collection method: clinical testing. Allele origin: germline. Affected: yes. Study: VKGL Data-share Consensus. Not counted in ClinVar's aggregate classification.

Clinical Genetics, Academic Medical Center
Classification: Benign. Review status: no assertion criteria provided. Collection method: clinical testing. Allele origin: germline. Affected: yes. Study: VKGL Data-share Consensus. Not counted in ClinVar's aggregate classification.

NM_003737.4(DCHS1):c.543G>A (p.Ala181=)

Gene: DCHS1 (dachsous cadherin-related 1; minus strand). Cytogenetic location: 11p15.4.
Variant type: single nucleotide variant.
Coding change: c.543G>A on transcript NM_003737.4 (MANE Select); coding-DNA position 543, G replaced by A.
Protein change: p.Ala181=; no amino-acid change (alanine 181 retained).
Molecular consequence: synonymous variant.
Genome position (GRCh38, 1-based): chr11:6,641,071, C>T on the plus strand (G>A on the coding strand, the complement: DCHS1 is on the minus strand). VCF-style: chr11-6641071-C-T. GRCh37 (hg19) VCF-style: chr11-6662302-C-T.
Identifiers: ClinVar variation 789788 (VCV000789788.38), dbSNP rs148357575, ClinGen allele CA5861137.